The following is an entry in ClinVar:

ClinVar aggregate classification (germline): Uncertain significance (1 of 4 stars; one submission).

Submission:

Labcorp Genetics (formerly Invitae), Labcorp
Classification: Uncertain significance. Last evaluated: 2021-11-12. Review status: criteria provided, single submitter. Criteria: Invitae Variant Classification Sherloc (09022015). Collection method: clinical testing. Allele origin: germline.
Comment: This sequence change falls in intron 9 of the SLC26A3 gene. It does not directly change the encoded amino acid sequence of the SLC26A3 protein. It affects a nucleotide within the consensus splice site. This variant is not present in population databases (gnomAD no frequency). This variant has not been reported in the literature in individuals affected with SLC26A3-related conditions. Variants that disrupt the consensus splice site are a relatively common cause of aberrant splicing (PMID: 17576681, 9536098). Algorithms developed to predict the effect of sequence changes on RNA splicing suggest that this variant may disrupt the consensus splice site. In summary, the available evidence is currently insufficient to determine the role of this variant in disease. Therefore, it has been classified as a Variant of Uncertain Significance.

Literature cited by the submitters: PubMed 17576681; PubMed 9536098.

NM_000111.3(SLC26A3):c.1119+5G>C

Gene: SLC26A3 (solute carrier family 26 member 3; minus strand). Cytogenetic location: 7q22.3.
Variant type: single nucleotide variant.
Coding change: c.1119+5G>C on transcript NM_000111.3 (MANE Select); 5 bases into the intron after coding-DNA position 1119, G replaced by C.
Molecular consequence: intron variant.
Genome position (GRCh38, 1-based): chr7:107,783,200, C>G on the plus strand (G>C on the coding strand, the complement: SLC26A3 is on the minus strand). VCF-style: chr7-107783200-C-G. GRCh37 (hg19) VCF-style: chr7-107423645-C-G.
Identifiers: ClinVar variation 1433099 (VCV001433099.3), dbSNP rs2115844796, ClinGen allele CA2573141446.